The following is an entry in ClinVar:

NM_003482.4(KMT2D):c.3977G>C (p.Arg1326Pro)

Genes: KMT2D (lysine methyltransferase 2D; minus strand), LOC126861520 (CDK7 strongly-dependent group 2 enhancer GRCh37_chr12:49442744-49443943; plus strand). Cytogenetic location: 12q13.12.
Variant type: single nucleotide variant.
Coding change: c.3977G>C on transcript NM_003482.4 (MANE Select); coding-DNA position 3977, G replaced by C.
Protein change: p.Arg1326Pro; replaces arginine 1326 with proline.
Molecular consequence: missense variant.
Genome position (GRCh38, 1-based): chr12:49,049,148, C>G on the plus strand (G>C on the coding strand, the complement: KMT2D is on the minus strand). VCF-style: chr12-49049148-C-G. GRCh37 (hg19) VCF-style: chr12-49442931-C-G.
Other names: short protein forms R1326P.
Identifiers: ClinVar variation 4293960 (VCV004293960.1).
Genomic context (GRCh38, chr12:49,049,148, plus strand): 5'-AGGAGGCATCTCCTTACTACCAGAGTCTCAATGGAAGAAGCAGTTGACTTTAGCCGGGCC[C>G]GTCCTCTACCACGTCCTCCATGGGCTCCTCCACGAGGCCGGCGTCTTCCTGGGAAACTGC-3'
Protein context (NP_003473.3, residues 1316-1336): GGAHGGRGRG[Arg1326Pro]ARLKSTASSI

ClinVar aggregate classification (germline): Uncertain significance (1 of 4 stars; one submission).

Conditions:
Kabuki syndrome 1 (KABUK1). Also called: KMT2D-Related Kabuki Syndrome. Identifiers: Orphanet 2322, MedGen CN030661, MONDO:0007843, OMIM 147920.

Submission:

3billion
Classification: Uncertain significance for Kabuki syndrome 1. Last evaluated: 2024-11-18. Review status: criteria provided, single submitter. Criteria: ACMG Guidelines, 2015. Collection method: clinical testing. Allele origin: germline. Affected: yes.
Comment: The variant is not observed in the gnomAD v4.1.0 dataset. Predicted Consequence/Location: Missense variant In silico tool predictions suggest damaging effect of the variant on gene or gene product [REVEL: 0.62 (>=0.6, sensitivity 0.68 and specificity 0.92)]. Different missense changes at the same codon have been reported as of uncertain significance (ClinVar ID: VCV001508394). Therefore, this variant is classified as VUS according to the recommendation of ACMG/AMP guideline.